The following is an entry in ClinVar:

ClinVar aggregate classification (germline): Uncertain significance. Review status: criteria provided, multiple submitters, no conflicts (2 of 4 stars). 2 submissions from 2 submitters: Uncertain significance (2). Last evaluated 2024-12-02.

Conditions:
Inborn genetic diseases. Identifiers: MedGen C0950123, MeSH D030342.

Allele frequency attached by ClinVar (database versions not stated): TOPMed below 0.00001; gnomAD exomes 0.00001.
gnomAD v4.1: 13 of 1,613,198 alleles (0.00081%); highest among the groups gnomAD compares: South Asian, 0.0044%; no homozygotes.

Submissions (2):

Ambry Genetics
Classification: Uncertain significance for Inborn genetic diseases. Last evaluated: 2024-12-02. Review status: criteria provided, single submitter. Criteria: Ambry Variant Classification Scheme 2023. Collection method: clinical testing. Allele origin: germline.

Laboratory for Molecular Medicine, Mass General Brigham Personalized Medicine
Classification: Uncertain significance. Last evaluated: 2014-12-08. Review status: criteria provided, single submitter. Criteria: LMM Criteria. Collection method: clinical testing. Allele origin: germline. Observed: 1 variant allele.
Comment: The p.Lys370Arg variant in OTOA has not been previously reported in individuals with hearing loss and was absent from large population studies. Computational pr ediction tools and conservation analysis suggest that the variant may impact the protein, though this information is not predictive enough to determine pathogen icity. In summary, the clinical significance of the p.Lys370Arg variant is uncer tain.

NM_144672.4(OTOA):c.1109A>G (p.Lys370Arg)

Gene: OTOA (otoancorin). Cytogenetic location: 16p12.2.
Variant type: single nucleotide variant.
Coding change: c.1109A>G on transcript NM_144672.4 (MANE Select); coding-DNA position 1109, A replaced by G.
Protein change: p.Lys370Arg; replaces lysine 370 with arginine.
Molecular consequence: missense variant.
Genome position (GRCh38, 1-based): chr16:21,709,892, A>G. VCF-style: chr16-21709892-A-G. GRCh37 (hg19) VCF-style: chr16-21721213-A-G.
Other names: c.872A>G, p.Lys291Arg (NM_001161683.2); c.137A>G, p.Lys46Arg (NM_170664.3); short protein forms K370R, K46R, K291R.
Identifiers: ClinVar variation 180109 (VCV000180109.6), dbSNP rs727505354, ClinGen allele CA185832.